The following is an entry in ClinVar:

ClinVar aggregate classification (germline): Uncertain significance. Review status: criteria provided, multiple submitters, no conflicts (2 of 4 stars). 3 submissions from 3 submitters: Uncertain significance (3). Last evaluated 2025-08-27.

Conditions:
Familial cancer of breast. Also called: BREAST CANCER, FAMILIAL; Hereditary breast cancer; hereditary breast carcinoma. Identifiers: Orphanet 227535, MedGen C0346153, MONDO:0016419, OMIM 114480. Disease mechanism: loss of function.
Breast-ovarian cancer, familial, susceptibility to, 5 (BROVCA5). Identifiers: MedGen C5830615, MONDO:0957530, OMIM 620442.
Fanconi anemia complementation group N. Also called: PALB2-Related Fanconi Anemia. Identifiers: Orphanet 84, MedGen C1835817, MONDO:0012565, OMIM 610832. Disease mechanism: loss of function.
Pancreatic cancer, susceptibility to, 3. Identifiers: Orphanet 1333, MedGen C3150547, MONDO:0013236, OMIM 613348.
Hereditary cancer-predisposing syndrome. Also called: Hereditary Cancer Syndrome; Hereditary neoplastic syndrome; Neoplastic Syndromes, Hereditary; Tumor predisposition. Identifiers: Orphanet 140162, MedGen C0027672, MeSH D009386, MONDO:0015356.

gnomAD v4.1: 1 of 1,614,192 alleles (0.000062%); no homozygotes.

Submissions (3):

Labcorp Genetics (formerly Invitae), Labcorp
Classification: Uncertain significance for Familial cancer of breast. Last evaluated: 2025-08-27. Review status: criteria provided, single submitter. Criteria: Invitae Variant Classification Sherloc (09022015). Collection method: clinical testing. Allele origin: germline.
Comment: This sequence change replaces histidine, which is basic and polar, with arginine, which is basic and polar, at codon 832 of the PALB2 protein (p.His832Arg). This variant is not present in population databases (gnomAD no frequency). This variant has not been reported in the literature in individuals affected with PALB2-related conditions. ClinVar contains an entry for this variant (Variation ID: 1722089). Invitae Evidence Modeling of protein sequence and biophysical properties (such as structural, functional, and spatial information, amino acid conservation, physicochemical variation, residue mobility, and thermodynamic stability) indicates that this missense variant is not expected to disrupt PALB2 protein function with a negative predictive value of 80%. In summary, the available evidence is currently insufficient to determine the role of this variant in disease. Therefore, it has been classified as a Variant of Uncertain Significance.

Fulgent Genetics
Classification: Uncertain significance for Fanconi anemia complementation group N; Pancreatic cancer, susceptibility to, 3; Breast-ovarian cancer, familial, susceptibility to, 5. Last evaluated: 2024-02-18. Review status: criteria provided, single submitter. Criteria: ACMG Guidelines, 2015. Collection method: clinical testing. Allele origin: germline.

Ambry Genetics
Classification: Uncertain significance for Hereditary cancer-predisposing syndrome. Last evaluated: 2023-12-24. Review status: criteria provided, single submitter. Criteria: Ambry Variant Classification Scheme 2023. Collection method: clinical testing. Allele origin: germline.
Comment: The p.H832R variant (also known as c.2495A>G), located in coding exon 5 of the PALB2 gene, results from an A to G substitution at nucleotide position 2495. The histidine at codon 832 is replaced by arginine, an amino acid with highly similar properties. This amino acid position is conserved. In addition, this alteration is predicted to be tolerated by in silico analysis. Since supporting evidence is limited at this time, the clinical significance of this alteration remains unclear.

NM_024675.4(PALB2):c.2495A>G (p.His832Arg)

Gene: PALB2 (partner and localizer of BRCA2; minus strand). Cytogenetic location: 16p12.2.
Variant type: single nucleotide variant.
Coding change: c.2495A>G on transcript NM_024675.4 (MANE Select); coding-DNA position 2495, A replaced by G.
Protein change: p.His832Arg; replaces histidine 832 with arginine.
Molecular consequence: missense variant.
Genome position (GRCh38, 1-based): chr16:23,629,659, T>C on the plus strand (A>G on the coding strand, the complement: PALB2 is on the minus strand). VCF-style: chr16-23629659-T-C. GRCh37 (hg19) VCF-style: chr16-23640980-T-C.
Other names: c.2435A>G, p.His812Arg (NM_001407296.1); c.2495A>G, p.His832Arg (NM_001407297.1, NM_001407298.1, NM_001407299.1 and 3 more transcripts); c.1610A>G, p.His537Arg (NM_001407304.1, NM_001407305.1, NM_001407306.1 and 5 more transcripts); c.707A>G, p.His236Arg (NM_001407312.1, NM_001407313.1); short protein forms H236R, H537R, H812R, H832R.
Identifiers: ClinVar variation 1722089 (VCV001722089.7), dbSNP rs2506403078, ClinGen allele CA395123988.